The following is an entry in ClinVar:

NM_015836.4(WARS2):c.248A>G (p.Gln83Arg)

Gene: WARS2 (tryptophanyl tRNA synthetase 2, mitochondrial; minus strand). Cytogenetic location: 1p12.
Variant type: single nucleotide variant.
Coding change: c.248A>G on transcript NM_015836.4 (MANE Select); coding-DNA position 248, A replaced by G.
Protein change: p.Gln83Arg; replaces glutamine 83 with arginine.
Molecular consequence: missense variant. On other transcripts: 5 prime UTR variant (1), intron variant (2).
Genome position (GRCh38, 1-based): chr1:119,076,450, T>C on the plus strand (A>G on the coding strand, the complement: WARS2 is on the minus strand). VCF-style: chr1-119076450-T-C. GRCh37 (hg19) VCF-style: chr1-119619073-T-C.
Other names: c.179A>G, p.Gln60Arg (NM_001378226.1, NM_001378227.1); c.-35A>G (NM_001378230.1); c.248A>G, p.Gln83Arg (NM_001378231.1, NM_201263.2); c.91-30788A>G (NM_001378229.1); c.177+71A>G (NM_001378228.1); short protein forms Q60R, Q83R.
Identifiers: ClinVar variation 1307523 (VCV001307523.6), dbSNP rs368451564, ClinGen allele CA1035369.

ClinVar aggregate classification (germline): Uncertain significance. Review status: criteria provided, multiple submitters, no conflicts (2 of 4 stars). 4 submissions from 4 submitters: Uncertain significance (4). Last evaluated 2025-01-27.

Conditions:
Inborn genetic diseases. Identifiers: MedGen C0950123, MeSH D030342.

Allele frequency attached by ClinVar (database versions not stated): gnomAD exomes 0.00002 and 0.00009; ExAC 0.00007; ESP Exome Variant Server 0.00015; gnomAD 0.00025 and 0.00026; 1000 Genomes Project 30x 0.00031; TOPMed 0.00031; 1000 Genomes Project 0.00040.
gnomAD v4.1: 70 of 1,614,126 alleles (0.0043%); highest among the groups gnomAD compares: African/African-American, 0.085%; no homozygotes.

Submissions (4):

Ambry Genetics
Classification: Uncertain significance for Inborn genetic diseases. Last evaluated: 2025-01-27. Review status: criteria provided, single submitter. Criteria: Ambry Variant Classification Scheme 2023. Collection method: clinical testing. Allele origin: germline.

Labcorp Genetics (formerly Invitae), Labcorp
Classification: Uncertain significance. Last evaluated: 2022-07-09. Review status: criteria provided, single submitter. Criteria: Invitae Variant Classification Sherloc (09022015). Collection method: clinical testing. Allele origin: germline.
Comment: This sequence change replaces glutamine, which is neutral and polar, with arginine, which is basic and polar, at codon 83 of the WARS2 protein (p.Gln83Arg). This variant is present in population databases (rs368451564, gnomAD 0.1%). This variant has not been reported in the literature in individuals affected with WARS2-related conditions. ClinVar contains an entry for this variant (Variation ID: 1307523). Algorithms developed to predict the effect of missense changes on protein structure and function (SIFT, PolyPhen-2, Align-GVGD) all suggest that this variant is likely to be tolerated. In summary, the available evidence is currently insufficient to determine the role of this variant in disease. Therefore, it has been classified as a Variant of Uncertain Significance.

GeneDx
Classification: Uncertain significance. Last evaluated: 2019-07-31. Review status: criteria provided, single submitter. Criteria: GeneDx Variant Classification Process June 2021. Collection method: clinical testing. Allele origin: germline. Affected: yes.
Comment: In silico analysis, which includes protein predictors and evolutionary conservation, supports that this variant does not alter protein structure/function; Has not been previously published as pathogenic or benign to our knowledge

Breakthrough Genomics
Classification: Uncertain significance. Review status: criteria provided, single submitter. Criteria: ACMG Guidelines, 2015. Collection method: not provided. Allele origin: germline. Inheritance: Autosomal recessive inheritance. Affected: yes.